The following is an entry in ClinVar:

ClinVar aggregate classification (germline): Conflicting classifications of pathogenicity. Review status: criteria provided, conflicting classifications (1 of 4 stars). 5 submissions from 4 submitters: Uncertain significance (4); Likely benign (1). Last evaluated 2023-04-04.

Conditions:
Cardiovascular phenotype. Identifiers: MedGen CN230736.
Hereditary cancer-predisposing syndrome. Also called: Hereditary Cancer Syndrome; Neoplastic Syndromes, Hereditary; Tumor predisposition; Hereditary neoplastic syndrome. Identifiers: Orphanet 140162, MedGen C0027672, MeSH D009386, MONDO:0015356.
Neurofibromatosis, type 1 (NF1). Also called: Neurofibromatosis, type I; VON RECKLINGHAUSEN DISEASE; NEUROFIBROMATOSIS, TYPE I, SOMATIC; Peripheral type neurofibromatosis. Identifiers: Orphanet 636, MedGen C0027831, MONDO:0018975, OMIM 162200. Disease mechanism: loss of function.

Allele frequency attached by ClinVar (database versions not stated): gnomAD exomes below 0.00001.
gnomAD v4.1: 1 of 1,580,222 alleles (0.000063%); highest among the groups gnomAD compares: East Asian, 0.0022%; no homozygotes.

Submissions (5):

Labcorp Genetics (formerly Invitae), Labcorp
Classification: Uncertain significance for Neurofibromatosis, type 1. Last evaluated: 2023-04-04. Review status: criteria provided, single submitter. Criteria: Invitae Variant Classification Sherloc (09022015). Collection method: clinical testing. Allele origin: germline.
Comment: In summary, the available evidence is currently insufficient to determine the role of this variant in disease. Therefore, it has been classified as a Variant of Uncertain Significance. Variants that disrupt the consensus splice site are a relatively common cause of aberrant splicing (PMID: 17576681, 9536098). Algorithms developed to predict the effect of sequence changes on RNA splicing suggest that this variant is not likely to affect RNA splicing. ClinVar contains an entry for this variant (Variation ID: 232021). This variant has not been reported in the literature in individuals affected with NF1-related conditions. This variant is not present in population databases (gnomAD no frequency). This sequence change falls in intron 44 of the NF1 gene. It does not directly change the encoded amino acid sequence of the NF1 protein. It affects a nucleotide within the consensus splice site.

Ambry Genetics
Classification: Likely benign for Cardiovascular phenotype; Hereditary cancer-predisposing syndrome. Last evaluated: 2022-11-03. Review status: criteria provided, single submitter. Criteria: Ambry Variant Classification Scheme 2023. Collection method: clinical testing. Allele origin: germline.

Genome-Nilou Lab
Classification: Uncertain significance for Neurofibromatosis, type 1. Last evaluated: 2022-03-15. Review status: criteria provided, single submitter. Criteria: ACMG Guidelines, 2015. Collection method: clinical testing. Allele origin: germline. Affected: no.

Women's Health and Genetics/Laboratory Corporation of America, LabCorp
Classification: Uncertain significance. Last evaluated: 2018-02-16. Review status: criteria provided, single submitter. Criteria: LabCorp Variant Classification Summary - May 2015. Collection method: clinical testing. Allele origin: germline.
Comment: Variant summary: NF1 c.6756+5C>A alters a non-conserved nucleotide located close to a canonical splice site and therefore could affect mRNA splicing, leading to a significantly altered protein sequence. 5/5 computational tools predict no significant impact on normal splicing. However, these predictions have yet to be confirmed by functional studies. The variant was absent in 121388 control chromosomes. The available data on variant occurrences in the general population are insufficient to allow any conclusion about variant significance. To our knowledge, no occurrence of c.6756+5C>A in individuals affected with Neurofibromatosis Type 1 and no experimental evidence demonstrating its impact on protein function have been reported. One clinical diagnostic laboratory has submitted clinical-significance assessments for this variant to ClinVar after 2014 without evidence for independent evaluation. One laboratory classified the variant as uncertain significance. Based on the evidence outlined above, the variant was classified as uncertain significance.

Ambry Genetics
Classification: Uncertain significance for Hereditary cancer-predisposing syndrome. Last evaluated: 2015-05-19. Review status: criteria provided, single submitter. Criteria: Ambry Autosomal Dominant and X-Linked criteria (10/2015). Collection method: clinical testing. Allele origin: germline. Observed: 1 variant allele.
Comment: The c.6819+5C>A intronic variant results from a C to A substitution 5 nucleotides after coding exon 45 in the NF1 gene. This variant was not reported in population based cohorts in the following databases: Database of Single Nucleotide Polymorphisms (dbSNP), NHLBI Exome Sequencing Project (ESP), and 1000 Genomes Project. In the ESP, this variant was not observed in 6503 samples (13006 alleles) with coverage at this position. To date, this alteration has been detected with an allele frequency of approximately 0.002% (greater than 55,000 alleles tested) in our clinical cohort. This nucleotide position is poorly conserved in available vertebrate species. Using the BDGP and ESEfinder splice site prediction tools, this alteration is not predicted to have any significant effect on this donor splice site; however, direct evidence is unavailable. Since supporting evidence is limited at this time, the clinical significance of c.6819+5C>A remains unclear.

Literature cited by the submitters: PubMed 17576681 (cited by Labcorp Genetics (formerly Invitae), Labcorp); PubMed 9536098 (cited by Labcorp Genetics (formerly Invitae), Labcorp).

NM_001042492.3(NF1):c.6819+5C>A

Gene: NF1 (neurofibromin 1; plus strand). Cytogenetic location: 17q11.2.
Variant type: single nucleotide variant.
Coding change: c.6819+5C>A on transcript NM_001042492.3 (MANE Select); 5 bases into the intron after coding-DNA position 6819, C replaced by A.
Molecular consequence: intron variant.
Genome position (GRCh38, 1-based): chr17:31,338,144, C>A. VCF-style: chr17-31338144-C-A. GRCh37 (hg19) VCF-style: chr17-29665162-C-A.
Other names: c.6756+5C>A (NM_000267.4).
Identifiers: ClinVar variation 232021 (VCV000232021.12), dbSNP rs876659499, ClinGen allele CA10580392.